The following is an entry in ClinVar:

ClinVar aggregate classification (germline): Likely benign (0 of 4 stars; one submission).

Conditions:
NIPBL-related disorder. Also called: NIPBL-related condition.

Allele frequency attached by ClinVar (database versions not stated): gnomAD 0.00002; TOPMed 0.00002.
gnomAD v4.1: 3 of 1,613,954 alleles (0.00019%); highest among the groups gnomAD compares: African/African-American, 0.004%; no homozygotes.

Submission:

PreventionGenetics, part of Exact Sciences
Classification: Likely benign for NIPBL-related condition. Last evaluated: 2022-10-04. Review status: no assertion criteria provided. Collection method: clinical testing. Allele origin: germline.
Comment: This variant is classified as likely benign based on ACMG/AMP sequence variant interpretation guidelines (Richards et al. 2015 PMID: 25741868, with internal and published modifications).

NM_133433.4(NIPBL):c.7098G>A (p.Gln2366=)

Gene: NIPBL (NIPBL cohesin loading factor; plus strand). Cytogenetic location: 5p13.2.
Variant type: single nucleotide variant.
Coding change: c.7098G>A on transcript NM_133433.4 (MANE Select); coding-DNA position 7098, G replaced by A.
Protein change: p.Gln2366=; no amino-acid change (glutamine 2366 retained).
Molecular consequence: synonymous variant.
Genome position (GRCh38, 1-based): chr5:37,052,401, G>A. VCF-style: chr5-37052401-G-A. GRCh37 (hg19) VCF-style: chr5-37052503-G-A.
Other names: c.7098G>A, p.Gln2366= (NM_015384.5).
Identifiers: ClinVar variation 3053077 (VCV003053077.2), dbSNP rs920581817, ClinGen allele CA117051473.